The following is an entry in ClinVar:

ClinVar aggregate classification (germline): Likely benign (1 of 4 stars; one submission).

Submission:

Women's Health and Genetics/Laboratory Corporation of America, LabCorp
Classification: Likely benign. Last evaluated: 2024-10-15. Review status: criteria provided, single submitter. Criteria: LabCorp Variant Classification Summary - May 2015. Collection method: clinical testing. Allele origin: germline.
Comment: Variant summary: ANKRD1 c.346-13_346-12delAT alters non-conserved nucleotides located at a position not widely known to affect splicing. Consensus agreement among computation tools predict no significant impact on normal splicing. However, these predictions have yet to be confirmed by functional studies. The variant was absent in 213642 control chromosomes. The available data on variant occurrences in the general population are insufficient to allow any conclusion about variant significance. To our knowledge, no occurrence of c.346-13_346-12delAT in individuals affected with Cardiomyopathy and no experimental evidence demonstrating its impact on protein function have been reported. No submitters have cited clinical-significance assessments for this variant to ClinVar. Based on the evidence outlined above, the variant was classified as likely benign.

NM_014391.3(ANKRD1):c.346-13_346-12del

Gene: ANKRD1 (ankyrin repeat domain 1; minus strand). Cytogenetic location: 10q23.31.
Variant type: Deletion.
Coding change: c.346-13_346-12del on transcript NM_014391.3 (MANE Select); 13 bases into the intron before coding-DNA position 346 through 12 bases into the intron before coding-DNA position 346, 2 bases deleted (AT; older notation c.346-13_346-12delAT).
Molecular consequence: intron variant.
Genome position (GRCh38, 1-based): chr10:90,918,984-90,918,985, AT deleted on the plus strand (AT on the coding strand, the reverse complement: ANKRD1 is on the minus strand); deleting any 2 consecutive bases within chr10:90,918,984-90,918,986 gives the same sequence; the c. name uses the placement nearest the transcript's 3' end. VCF-style (leftmost placement, unchanged base first): chr10-90918983-AAT-A. GRCh37 (hg19) VCF-style: chr10-92678740-AAT-A.
Other names: c.346-13_346-12delAT (NM_014391.3).
Identifiers: ClinVar variation 3385296 (VCV003385296.1).